The following is an entry in ClinVar:

NM_004364.5(CEBPA):c.1027C>T (p.Arg343Cys)

Gene: CEBPA (CCAAT enhancer binding protein alpha; minus strand). Cytogenetic location: 19q13.11.
Variant type: single nucleotide variant.
Coding change: c.1027C>T on transcript NM_004364.5 (MANE Select); coding-DNA position 1027, C replaced by T.
Protein change: p.Arg343Cys; replaces arginine 343 with cysteine.
Molecular consequence: missense variant.
Genome position (GRCh38, 1-based): chr19:33,301,388, G>A on the plus strand (C>T on the coding strand, the complement: CEBPA is on the minus strand). VCF-style: chr19-33301388-G-A. GRCh37 (hg19) VCF-style: chr19-33792294-G-A.
Other names: c.670C>T, p.Arg224Cys (NM_001285829.2); c.1132C>T, p.Arg378Cys (NM_001287424.2); c.985C>T, p.Arg329Cys (NM_001287435.2); c.1027C>T (NM_004364.3); short protein forms R329C, R378C, R224C, R343C.
Identifiers: ClinVar variation 1388785 (VCV001388785.9), dbSNP rs1439202716, ClinGen allele CA405273693.

ClinVar aggregate classification (germline): Uncertain significance. Review status: criteria provided, multiple submitters, no conflicts (2 of 4 stars). 2 submissions from 2 submitters: Uncertain significance (2). Last evaluated 2025-04-17.

Conditions:
Inborn genetic diseases. Identifiers: MedGen C0950123, MeSH D030342.
Acute myeloid leukemia (AML). Also called: Leukemia, acute myeloid, somatic; Leukemia, acute myelogenous, somatic; Acute myeloid leukemia, adult; AML adult; Acute non-lymphocytic leukemia; Acute granulocytic leukemia. Identifiers: Orphanet 519, MedGen C0023467, MeSH D015470, MONDO:0018874, OMIM 601626, HP:0004808. Disease mechanism: Constitutively activated FLT3.

Allele frequency attached by ClinVar (database versions not stated): gnomAD exomes below 0.00001; gnomAD 0.00001.

Submissions (2):

Ambry Genetics
Classification: Uncertain significance for Inborn genetic diseases. Last evaluated: 2025-04-17. Review status: criteria provided, single submitter. Criteria: Ambry Variant Classification Scheme 2023. Collection method: clinical testing. Allele origin: germline.
Comment: The p.R343C variant (also known as c.1027C>T), located in coding exon 1 of the CEBPA gene, results from a C to T substitution at nucleotide position 1027. The arginine at codon 343 is replaced by cysteine, an amino acid with highly dissimilar properties. This amino acid position is well conserved in available vertebrate species. In addition, this alteration is predicted to be tolerated by in silico analysis. Based on the available evidence, the clinical significance of this variant remains unclear.

Labcorp Genetics (formerly Invitae), Labcorp
Classification: Uncertain significance for Acute myeloid leukemia. Last evaluated: 2022-06-13. Review status: criteria provided, single submitter. Criteria: Invitae Variant Classification Sherloc (09022015). Collection method: clinical testing. Allele origin: germline.
Comment: This variant has not been reported in the literature in individuals affected with CEBPA-related conditions. In summary, the available evidence is currently insufficient to determine the role of this variant in disease. Therefore, it has been classified as a Variant of Uncertain Significance. Algorithms developed to predict the effect of missense changes on protein structure and function (SIFT, PolyPhen-2, Align-GVGD) all suggest that this variant is likely to be disruptive. This variant is present in population databases (no rsID available, gnomAD 0.1%). This sequence change replaces arginine, which is basic and polar, with cysteine, which is neutral and slightly polar, at codon 343 of the CEBPA protein (p.Arg343Cys).